The following is an entry in ClinVar:

NM_001127208.3(TET2):c.229G>A (p.Asp77Asn)

Genes: TET2 (tet methylcytosine dioxygenase 2; plus strand), TET2-AS1 (TET2 antisense RNA 1; minus strand). Cytogenetic location: 4q24.
Variant type: single nucleotide variant.
Coding change: c.229G>A on transcript NM_001127208.3 (MANE Select); coding-DNA position 229, G replaced by A.
Protein change: p.Asp77Asn; replaces aspartic acid 77 with asparagine.
Molecular consequence: missense variant.
Genome position (GRCh38, 1-based): chr4:105,234,171, G>A. VCF-style: chr4-105234171-G-A. GRCh37 (hg19) VCF-style: chr4-106155328-G-A.
Other names: c.229G>A, p.Asp77Asn (NM_017628.4); short protein forms D77N.
Identifiers: ClinVar variation 3455355 (VCV003455355.1).
Genomic context (GRCh38, chr4:105,234,171, plus strand): 5'-TTCAAAAGTTATTATGGAATACCCTGTATGAAGGGAAGCCAGAATAGTCGTGTGAGTCCT[G>A]ACTTTACACAAGAAAGTAGAGGGTATTCCAAGTGTTTGCAAAATGGAGGAATAAAACGCA-3'
Protein context (NP_001120680.1, residues 67-87): KGSQNSRVSP[Asp77Asn]FTQESRGYSK

ClinVar aggregate classification (germline): Uncertain significance (1 of 4 stars; one submission).

Submission:

Ambry Genetics
Classification: Uncertain significance. Last evaluated: 2024-11-30. Review status: criteria provided, single submitter. Criteria: Ambry Variant Classification Scheme 2023. Collection method: clinical testing. Allele origin: germline.
Comment: The p.D77N variant (also known as c.229G>A), located in coding exon 1 of the TET2 gene, results from a G to A substitution at nucleotide position 229. The aspartic acid at codon 77 is replaced by asparagine, an amino acid with highly similar properties. This amino acid position is conserved. In addition, this alteration is predicted to be tolerated by in silico analysis. Based on the available evidence, the clinical significance of this variant remains unclear.